The following is an entry in ClinVar:

ClinVar aggregate classification (germline): Uncertain significance (1 of 4 stars; one submission).

Submission:

GeneDx
Classification: Uncertain significance. Last evaluated: 2024-09-12. Review status: criteria provided, single submitter. Criteria: GeneDx Variant Classification Process June 2021. Collection method: clinical testing. Allele origin: germline. Affected: yes.
Comment: Not observed at significant frequency in large population cohorts (gnomAD); In silico analysis indicates that this missense variant does not alter protein structure/function; Has not been previously published as pathogenic or benign to our knowledge; This variant is associated with the following publications: (PMID: 18472371)

NM_004004.6(GJB2):c.487A>T (p.Met163Leu)

Gene: GJB2 (gap junction protein beta 2; minus strand). Cytogenetic location: 13q12.11.
Variant type: single nucleotide variant.
Coding change: c.487A>T on transcript NM_004004.6 (MANE Select); coding-DNA position 487, A replaced by T.
Protein change: p.Met163Leu; replaces methionine 163 with leucine.
Molecular consequence: missense variant.
Genome position (GRCh38, 1-based): chr13:20,189,095, T>A on the plus strand (A>T on the coding strand, the complement: GJB2 is on the minus strand). VCF-style: chr13-20189095-T-A. GRCh37 (hg19) VCF-style: chr13-20763234-T-A.
Other names: short protein forms M163L.
Identifiers: ClinVar variation 3769988 (VCV003769988.1).